The following is an entry in ClinVar:

ClinVar aggregate classification (germline): Pathogenic. Review status: criteria provided, single submitter (1 of 4 stars). 2 submissions from 2 submitters: Pathogenic (1). 1 of the submissions does not count toward it. Last evaluated 2025-08-11.

Conditions:
Neurofibromatosis, type 1 (NF1). Also called: Peripheral type neurofibromatosis; VON RECKLINGHAUSEN DISEASE; Neurofibromatosis, type I; NEUROFIBROMATOSIS, TYPE I, SOMATIC. Identifiers: Orphanet 636, MedGen C0027831, MONDO:0018975, OMIM 162200. Disease mechanism: loss of function.

Submissions (2):

Labcorp Genetics (formerly Invitae), Labcorp
Classification: Pathogenic for Neurofibromatosis, type 1. Last evaluated: 2025-08-11. Review status: criteria provided, single submitter. Criteria: Invitae Variant Classification Sherloc (09022015). Collection method: clinical testing. Allele origin: germline.
Comment: This sequence change creates a premature translational stop signal (p.Tyr1614*) in the NF1 gene. It is expected to result in an absent or disrupted protein product. Loss-of-function variants in NF1 are known to be pathogenic (PMID: 10712197, 23913538). This variant is not present in population databases (gnomAD no frequency). This premature translational stop signal has been observed in individual(s) with neurofibromatosis type 1 (PMID: 23913538, 30530636). Invitae Evidence Modeling of clinical and family history, age, sex, and reported ancestry of multiple individuals with this NF1 variant has been performed. This variant is expected to be pathogenic with a positive predictive value of at least 99%. This is a validated machine learning model that incorporates the clinical features of 1,785,918 individuals referred to our laboratory for NF1 testing. ClinVar contains an entry for this variant (Variation ID: 492883). For these reasons, this variant has been classified as Pathogenic.

Clinical Molecular Genetics Laboratory, Johns Hopkins All Children's Hospital
Classification: Pathogenic for Neurofibromatosis, type 1. Last evaluated: 2014-04-02. Review status: no assertion criteria provided. Collection method: clinical testing. Allele origin: germline. Affected: yes. Not counted in ClinVar's aggregate classification.

Literature cited by the submitters: PubMed 10712197 (cited by Labcorp Genetics (formerly Invitae), Labcorp); PubMed 23913538 (cited by Labcorp Genetics (formerly Invitae), Labcorp); PubMed 30530636 (cited by Labcorp Genetics (formerly Invitae), Labcorp).

NM_001042492.3(NF1):c.4905T>G (p.Tyr1635Ter)

Gene: NF1 (neurofibromin 1; plus strand). Cytogenetic location: 17q11.2.
Variant type: single nucleotide variant.
Coding change: c.4905T>G on transcript NM_001042492.3 (MANE Select); coding-DNA position 4905, T replaced by G.
Protein change: p.Tyr1635Ter; replaces tyrosine 1635 with a stop codon.
Molecular consequence: nonsense.
Genome position (GRCh38, 1-based): chr17:31,325,889, T>G. VCF-style: chr17-31325889-T-G. GRCh37 (hg19) VCF-style: chr17-29652907-T-G.
Other names: c.4842T>G, p.Tyr1614Ter (NM_000267.4); short protein forms Y1614*, Y1635*.
Identifiers: ClinVar variation 492883 (VCV000492883.4), dbSNP rs948982039, ClinGen allele CA399007075.